The following is an entry in ClinVar:

NM_000553.6(WRN):c.1106G>T (p.Arg369Leu)

Gene: WRN (WRN RecQ like helicase; plus strand). Cytogenetic location: 8p12.
Variant type: single nucleotide variant.
Coding change: c.1106G>T on transcript NM_000553.6 (MANE Select); coding-DNA position 1106, G replaced by T.
Protein change: p.Arg369Leu; replaces arginine 369 with leucine.
Molecular consequence: missense variant.
Genome position (GRCh38, 1-based): chr8:31,081,133, G>T. VCF-style: chr8-31081133-G-T. GRCh37 (hg19) VCF-style: chr8-30938649-G-T.
Other names: short protein forms R369L.
Identifiers: ClinVar variation 938409 (VCV000938409.5), dbSNP rs1351358663, ClinGen allele CA370920748.

ClinVar aggregate classification (germline): Uncertain significance (1 of 4 stars; one submission).

Conditions:
Werner syndrome (WRN). Identifiers: Orphanet 902, MedGen C0043119, MONDO:0010196, OMIM 277700.

gnomAD v4.1: 2 of 1,614,004 alleles (0.00012%); highest among the groups gnomAD compares: Non-Finnish European, 0.00017%; no homozygotes.

Submission:

Labcorp Genetics (formerly Invitae), Labcorp
Classification: Uncertain significance for Werner syndrome. Last evaluated: 2023-07-17. Review status: criteria provided, single submitter. Criteria: Invitae Variant Classification Sherloc (09022015). Collection method: clinical testing. Allele origin: germline.
Comment: This sequence change replaces arginine, which is basic and polar, with leucine, which is neutral and non-polar, at codon 369 of the WRN protein (p.Arg369Leu). In summary, the available evidence is currently insufficient to determine the role of this variant in disease. Therefore, it has been classified as a Variant of Uncertain Significance. Algorithms developed to predict the effect of missense changes on protein structure and function output the following: SIFT: "Not Available"; PolyPhen-2: "Benign"; Align-GVGD: "Not Available". The leucine amino acid residue is found in multiple mammalian species, which suggests that this missense change does not adversely affect protein function. ClinVar contains an entry for this variant (Variation ID: 938409). This variant has not been reported in the literature in individuals affected with WRN-related conditions. This variant is not present in population databases (gnomAD no frequency).